The following is an entry in ClinVar:

ClinVar aggregate classification (germline): Uncertain significance. Review status: criteria provided, multiple submitters, no conflicts (2 of 4 stars). 2 submissions from 2 submitters: Uncertain significance (2). Last evaluated 2026-01-28.

Conditions:
Mitochondrial complex II deficiency, nuclear type 1. Also called: SUCCINATE CoQ REDUCTASE DEFICIENCY. Identifiers: Orphanet 3208, MedGen C5700310, MONDO:0100294, OMIM 252011.
Pheochromocytoma/paraganglioma syndrome 5. Also called: Paragangliomas 5; SDHA-Related Hereditary Paraganglioma-Pheochromocytoma Syndrome. Identifiers: Orphanet 29072, MedGen C3279992, MONDO:0013602, OMIM 614165.
Hereditary cancer-predisposing syndrome. Also called: Tumor predisposition; Hereditary neoplastic syndrome; Neoplastic Syndromes, Hereditary; Hereditary Cancer Syndrome. Identifiers: Orphanet 140162, MedGen C0027672, MeSH D009386, MONDO:0015356.

Submissions (2):

Ambry Genetics
Classification: Uncertain significance for Hereditary cancer-predisposing syndrome. Last evaluated: 2026-01-28. Review status: criteria provided, single submitter. Criteria: Ambry Variant Classification Scheme 2023. Collection method: clinical testing. Allele origin: germline.
Comment: The p.A582P variant (also known as c.1744G>C), located in coding exon 13 of the SDHA gene, results from a G to C substitution at nucleotide position 1744. The alanine at codon 582 is replaced by proline, an amino acid with highly similar properties. This amino acid position is highly conserved in available vertebrate species. In addition, this alteration is predicted to be deleterious by in silico analysis. Based on the available evidence, the clinical significance of this variant remains unclear.

Labcorp Genetics (formerly Invitae), Labcorp
Classification: Uncertain significance for Pheochromocytoma/paraganglioma syndrome 5; Mitochondrial complex II deficiency, nuclear type 1. Last evaluated: 2020-05-20. Review status: criteria provided, single submitter. Criteria: Invitae Variant Classification Sherloc (09022015). Collection method: clinical testing. Allele origin: germline.
Comment: In summary, the available evidence is currently insufficient to determine the role of this variant in disease. Therefore, it has been classified as a Variant of Uncertain Significance. Algorithms developed to predict the effect of missense changes on protein structure and function are either unavailable or do not agree on the potential impact of this missense change (SIFT: "Deleterious"; PolyPhen-2: "Probably Damaging"; Align-GVGD: "Class C0"). This variant has not been reported in the literature in individuals with SDHA-related conditions. This variant is not present in population databases (ExAC no frequency). This sequence change replaces alanine with proline at codon 582 of the SDHA protein (p.Ala582Pro). The alanine residue is highly conserved and there is a small physicochemical difference between alanine and proline.

NM_004168.4(SDHA):c.1744G>C (p.Ala582Pro)

Gene: SDHA (succinate dehydrogenase complex flavoprotein subunit A; plus strand). Cytogenetic location: 5p15.33.
Variant type: single nucleotide variant.
Coding change: c.1744G>C on transcript NM_004168.4 (MANE Select); coding-DNA position 1744, G replaced by C.
Protein change: p.Ala582Pro; replaces alanine 582 with proline.
Molecular consequence: missense variant. On other transcripts: intron variant (1).
Genome position (GRCh38, 1-based): chr5:251,418, G>C. VCF-style: chr5-251418-G-C. GRCh37 (hg19) VCF-style: chr5-251533-G-C.
Other names: c.1600G>C, p.Ala534Pro (NM_001294332.2); c.1552-2975G>C (NM_001330758.2); short protein forms A582P, A534P.
Identifiers: ClinVar variation 1046599 (VCV001046599.12), dbSNP rs1736821952, ClinGen allele CA359000232.